The following is an entry in ClinVar:

ClinVar aggregate classification (germline): Uncertain significance. Review status: criteria provided, multiple submitters, no conflicts (2 of 4 stars). 2 submissions from 2 submitters: Uncertain significance (2). Last evaluated 2025-06-07.

Conditions:
Inborn genetic diseases. Identifiers: MedGen C0950123, MeSH D030342.

Allele frequency attached by ClinVar (database versions not stated): TOPMed below 0.00001.

Submissions (2):

Ambry Genetics
Classification: Uncertain significance for Inborn genetic diseases. Last evaluated: 2025-06-07. Review status: criteria provided, single submitter. Criteria: Ambry Variant Classification Scheme 2023. Collection method: clinical testing. Allele origin: germline.

Labcorp Genetics (formerly Invitae), Labcorp
Classification: Uncertain significance. Last evaluated: 2024-11-11. Review status: criteria provided, single submitter. Criteria: Invitae Variant Classification Sherloc (09022015). Collection method: clinical testing. Allele origin: germline.
Comment: This sequence change replaces proline, which is neutral and non-polar, with alanine, which is neutral and non-polar, at codon 109 of the OBSL1 protein (p.Pro109Ala). This variant is not present in population databases (gnomAD no frequency). This variant has not been reported in the literature in individuals affected with OBSL1-related conditions. ClinVar contains an entry for this variant (Variation ID: 1371560). An algorithm developed to predict the effect of missense changes on protein structure and function (PolyPhen-2) suggests that this variant is likely to be tolerated. In summary, the available evidence is currently insufficient to determine the role of this variant in disease. Therefore, it has been classified as a Variant of Uncertain Significance.

NM_015311.3(OBSL1):c.325C>G (p.Pro109Ala)

Gene: OBSL1 (obscurin like cytoskeletal adaptor 1; minus strand). Cytogenetic location: 2q35.
Variant type: single nucleotide variant.
Coding change: c.325C>G on transcript NM_015311.3 (MANE Select); coding-DNA position 325, C replaced by G.
Protein change: p.Pro109Ala; replaces proline 109 with alanine.
Molecular consequence: missense variant.
Genome position (GRCh38, 1-based): chr2:219,570,908, G>C on the plus strand (C>G on the coding strand, the complement: OBSL1 is on the minus strand). VCF-style: chr2-219570908-G-C. GRCh37 (hg19) VCF-style: chr2-220435630-G-C.
Other names: c.325C>G, p.Pro109Ala (NM_001173408.2, NM_001173431.2); c.325C>G (NM_015311.2); short protein forms P109A.
Identifiers: ClinVar variation 1371560 (VCV001371560.7), dbSNP rs1369471565, ClinGen allele CA350765838.